The following is an entry in ClinVar:

NM_139281.3(WDR36):c.1421G>C (p.Gly474Ala)

Gene: WDR36 (WD repeat domain 36; plus strand). Cytogenetic location: 5q22.1.
Variant type: single nucleotide variant.
Coding change: c.1421G>C on transcript NM_139281.3 (MANE Select); coding-DNA position 1421, G replaced by C.
Protein change: p.Gly474Ala; replaces glycine 474 with alanine.
Molecular consequence: missense variant.
Genome position (GRCh38, 1-based): chr5:111,110,283, G>C. VCF-style: chr5-111110283-G-C. GRCh37 (hg19) VCF-style: chr5-110445982-G-C.
Other names: short protein forms G474A.
Identifiers: ClinVar variation 2912484 (VCV002912484.3), dbSNP rs759320396, ClinGen allele CA3365659.

ClinVar aggregate classification (germline): Uncertain significance (1 of 4 stars; one submission).

Allele frequency attached by ClinVar (database versions not stated): ExAC 0.00002; gnomAD 0.00003; gnomAD exomes 0.00003; TOPMed 0.00003.
gnomAD v4.1: 50 of 1,610,604 alleles (0.0031%); highest among the groups gnomAD compares: Non-Finnish European, 0.0039%; no homozygotes.

Submission:

Labcorp Genetics (formerly Invitae), Labcorp
Classification: Uncertain significance. Last evaluated: 2023-12-14. Review status: criteria provided, single submitter. Criteria: Invitae Variant Classification Sherloc (09022015). Collection method: clinical testing. Allele origin: germline.
Comment: This sequence change replaces glycine, which is neutral and non-polar, with alanine, which is neutral and non-polar, at codon 530 of the WDR36 protein (p.Gly530Ala). This variant is present in population databases (rs759320396, gnomAD 0.002%). This variant has not been reported in the literature in individuals affected with WDR36-related conditions. An algorithm developed to predict the effect of missense changes on protein structure and function (PolyPhen-2) suggests that this variant is likely to be disruptive. In summary, the available evidence is currently insufficient to determine the role of this variant in disease. Therefore, it has been classified as a Variant of Uncertain Significance.